The following is an entry in ClinVar:

ClinVar aggregate classification (germline): Uncertain significance. Review status: criteria provided, multiple submitters, no conflicts (2 of 4 stars). 2 submissions from 2 submitters: Uncertain significance (2). Last evaluated 2025-02-16.

Conditions:
Gastrointestinal stromal tumor. Also called: Gastrointestinal stromal tumor, somatic; Gastrointestinal stroma tumor. Identifiers: Orphanet 44890, MedGen C0238198, MeSH D046152, MONDO:0011719, OMIM 606764, HP:0100723.
Hereditary cancer-predisposing syndrome. Also called: Hereditary Cancer Syndrome; Hereditary neoplastic syndrome; Neoplastic Syndromes, Hereditary; Tumor predisposition. Identifiers: Orphanet 140162, MedGen C0027672, MeSH D009386, MONDO:0015356.

Allele frequency attached by ClinVar (database versions not stated): TOPMed below 0.00001.

Submissions (2):

Ambry Genetics
Classification: Uncertain significance for Hereditary cancer-predisposing syndrome. Last evaluated: 2025-02-16. Review status: criteria provided, single submitter. Criteria: Ambry Variant Classification Scheme 2023. Collection method: clinical testing. Allele origin: germline.
Comment: The p.V721I variant (also known as c.2161G>A), located in coding exon 15 of the PDGFRA gene, results from a G to A substitution at nucleotide position 2161. The valine at codon 721 is replaced by isoleucine, an amino acid with highly similar properties. This amino acid position is conserved. In addition, the in silico prediction for this alteration is inconclusive. Since supporting evidence is limited at this time, the clinical significance of this alteration remains unclear.

Labcorp Genetics (formerly Invitae), Labcorp
Classification: Uncertain significance for Gastrointestinal stromal tumor. Last evaluated: 2023-11-04. Review status: criteria provided, single submitter. Criteria: Invitae Variant Classification Sherloc (09022015). Collection method: clinical testing. Allele origin: germline.
Comment: This sequence change replaces valine, which is neutral and non-polar, with isoleucine, which is neutral and non-polar, at codon 721 of the PDGFRA protein (p.Val721Ile). This variant is not present in population databases (gnomAD no frequency). This variant has not been reported in the literature in individuals affected with PDGFRA-related conditions. ClinVar contains an entry for this variant (Variation ID: 2453850). Advanced modeling of protein sequence and biophysical properties (such as structural, functional, and spatial information, amino acid conservation, physicochemical variation, residue mobility, and thermodynamic stability) performed at Invitae indicates that this missense variant is not expected to disrupt PDGFRA protein function with a negative predictive value of 80%. In summary, the available evidence is currently insufficient to determine the role of this variant in disease. Therefore, it has been classified as a Variant of Uncertain Significance.

NM_006206.6(PDGFRA):c.2161G>A (p.Val721Ile)

Gene: PDGFRA (platelet derived growth factor receptor alpha; plus strand). Cytogenetic location: 4q12.
Variant type: single nucleotide variant.
Coding change: c.2161G>A on transcript NM_006206.6 (MANE Select); coding-DNA position 2161, G replaced by A.
Protein change: p.Val721Ile; replaces valine 721 with isoleucine.
Molecular consequence: missense variant.
Genome position (GRCh38, 1-based): chr4:54,280,320, G>A. VCF-style: chr4-54280320-G-A. GRCh37 (hg19) VCF-style: chr4-55146487-G-A.
Other names: c.2161G>A, p.Val721Ile (NM_001347827.2, NM_001347829.2); c.2236G>A, p.Val746Ile (NM_001347828.2); c.2200G>A, p.Val734Ile (NM_001347830.2); short protein forms V721I, V734I, V746I.
Identifiers: ClinVar variation 2453850 (VCV002453850.6), dbSNP rs1723999550, ClinGen allele CA356894195.